The following is an entry in ClinVar:

NM_033100.4(CDHR1):c.700G>A (p.Val234Ile)

Gene: CDHR1 (cadherin related family member 1; plus strand). Cytogenetic location: 10q23.1.
Variant type: single nucleotide variant.
Coding change: c.700G>A on transcript NM_033100.4 (MANE Select); coding-DNA position 700, G replaced by A.
Protein change: p.Val234Ile; replaces valine 234 with isoleucine.
Molecular consequence: missense variant.
Genome position (GRCh38, 1-based): chr10:84,203,040, G>A. VCF-style: chr10-84203040-G-A. GRCh37 (hg19) VCF-style: chr10-85962796-G-A.
Other names: c.700G>A, p.Val234Ile (NM_001171971.3); short protein forms V234I.
Identifiers: ClinVar variation 301222 (VCV000301222.15), dbSNP rs148356887, ClinGen allele CA5579649.

ClinVar aggregate classification (germline): Conflicting classifications of pathogenicity. Review status: criteria provided, conflicting classifications (1 of 4 stars). 5 submissions from 5 submitters: Uncertain significance (2); Likely benign (3). Last evaluated 2026-01-21.

Conditions:
Cone-rod dystrophy 15 (CORD15). Identifiers: MedGen C3150912, MONDO:0013348, OMIM 613660.

Allele frequency attached by ClinVar (database versions not stated): gnomAD exomes 0.00019; ExAC 0.00021; ESP Exome Variant Server 0.00023; gnomAD 0.00046 and 0.00052; TOPMed 0.00048; 1000 Genomes Project 30x 0.00078; 1000 Genomes Project 0.00100.
gnomAD v4.1: 291 of 1,614,228 alleles (0.018%); highest among the groups gnomAD compares: East Asian, 0.34%; 1 homozygote.

Submissions (5):

Labcorp Genetics (formerly Invitae), Labcorp
Classification: Likely benign. Last evaluated: 2026-01-21. Review status: criteria provided, single submitter. Criteria: Invitae Variant Classification Sherloc (09022015). Collection method: clinical testing. Allele origin: germline.

Blueprint Genetics
Classification: Likely benign. Last evaluated: 2024-10-08. Review status: criteria provided, single submitter. Criteria: ACMG Guidelines, 2015. Collection method: clinical testing. Allele origin: germline.

GeneDx
Classification: Likely benign. Last evaluated: 2024-08-15. Review status: criteria provided, single submitter. Criteria: GeneDx Variant Classification Process June 2021. Collection method: clinical testing. Allele origin: germline. Affected: yes.
Comment: See Variant Classification Assertion Criteria.

Laboratorio de Genetica e Diagnostico Molecular, Hospital Israelita Albert Einstein
Classification: Uncertain significance for Cone-rod dystrophy 15. Last evaluated: 2022-12-02. Review status: criteria provided, single submitter. Criteria: ACMG Guidelines, 2015. Collection method: clinical testing. Allele origin: germline. Affected: yes. Observed: 1 variant allele.
Comment: ACMG classification criteria: BP4 supporting

Illumina Laboratory Services, Illumina
Classification: Uncertain significance for Cone-rod dystrophy 15. Last evaluated: 2018-01-13. Review status: criteria provided, single submitter. Criteria: ICSL Variant Classification Criteria 13 December 2019. Collection method: clinical testing. Allele origin: germline.